The following is an entry in ClinVar:

ClinVar aggregate classification (germline): Benign/Likely benign. Review status: criteria provided, multiple submitters, no conflicts (2 of 4 stars). 2 submissions from 2 submitters: Benign (1); Likely benign (1). Last evaluated 2026-07-20.

Conditions:
Kabuki syndrome. Also called: Kabuki make-up syndrome; NIIKAWA-KUROKI SYNDROME. Identifiers: Orphanet 2322, MedGen C0796004, MONDO:0016512.
KMT2D-related disorder. Also called: KMT2D-Related Disorders.

Allele frequency attached by ClinVar (database versions not stated): ExAC 0.00001; gnomAD 0.00001; gnomAD exomes 0.00001; TOPMed 0.00001.
gnomAD v4.1: 6 of 1,537,036 alleles (0.00039%); highest among the groups gnomAD compares: East Asian, 0.011%; no homozygotes.

Submissions (2):

PreventionGenetics, part of Exact Sciences
Classification: Likely benign for KMT2D-related condition. Last evaluated: 2026-07-20. Review status: criteria provided, single submitter. Criteria: ACMG Guidelines, 2015. Collection method: clinical testing. Allele origin: germline.
Comment: This variant is classified as likely benign based on ACMG/AMP sequence variant interpretation guidelines (Richards et al. 2015 PMID: 25741868, with internal and published modifications).

Labcorp Genetics (formerly Invitae), Labcorp
Classification: Benign for Kabuki syndrome. Last evaluated: 2024-09-16. Review status: criteria provided, single submitter. Criteria: Invitae Variant Classification Sherloc (09022015). Collection method: clinical testing. Allele origin: germline.

NM_003482.4(KMT2D):c.6702C>T (p.Pro2234=)

Gene: KMT2D (lysine methyltransferase 2D; minus strand). Cytogenetic location: 12q13.12.
Variant type: single nucleotide variant.
Coding change: c.6702C>T on transcript NM_003482.4 (MANE Select); coding-DNA position 6702, C replaced by T.
Protein change: p.Pro2234=; no amino-acid change (proline 2234 retained).
Molecular consequence: synonymous variant.
Genome position (GRCh38, 1-based): chr12:49,041,068, G>A on the plus strand (C>T on the coding strand, the complement: KMT2D is on the minus strand). VCF-style: chr12-49041068-G-A. GRCh37 (hg19) VCF-style: chr12-49434851-G-A.
Identifiers: ClinVar variation 2996544 (VCV002996544.4), dbSNP rs201423385, ClinGen allele CA6547192.